The following is an entry in ClinVar:

NM_032409.3(PINK1):c.*181C>G

Genes: PINK1 (PTEN induced kinase 1; plus strand), PINK1-AS (PINK1 antisense RNA; minus strand). Cytogenetic location: 1p36.12.
Variant type: single nucleotide variant.
Coding change: c.*181C>G on transcript NM_032409.3 (MANE Select); 181 bases downstream of the stop codon, C replaced by G.
Molecular consequence: 3 prime UTR variant. On other transcripts: non-coding transcript variant (1).
Genome position (GRCh38, 1-based): chr1:20,650,872, C>G. VCF-style: chr1-20650872-C-G. GRCh37 (hg19) VCF-style: chr1-20977365-C-G.
Identifiers: ClinVar variation 295013 (VCV000295013.9), dbSNP rs513414, ClinGen allele CA10608860.

ClinVar aggregate classification (germline): Benign. Review status: criteria provided, multiple submitters, no conflicts (2 of 4 stars). 3 submissions from 3 submitters: Benign (3). Last evaluated 2018-07-09.

Conditions:
Autosomal recessive early-onset Parkinson disease 6 (PARK6). Also called: PARKINSON DISEASE 6, EARLY-ONSET; PINK1 Type of Young-Onset Parkinson Disease; PINK1-Related Parkinson Disease; PARKINSON DISEASE 6, MODIFIER OF. Identifiers: Orphanet 2828, MedGen C1853833, MONDO:0011613, OMIM 605909.

Allele frequency attached by ClinVar (database versions not stated): 1000 Genomes Project 30x 0.83526; 1000 Genomes Project 0.83666; TOPMed 0.84151; gnomAD 0.84999 and 0.85102; gnomAD exomes 0.86802.
gnomAD v4.1: 673,815 of 779,188 alleles (86%); highest among the groups gnomAD compares: Middle Eastern, 91%; 292,249 homozygotes.

Submissions (3):

GeneDx
Classification: Benign. Last evaluated: 2018-07-09. Review status: criteria provided, single submitter. Criteria: GeneDx Variant Classification Process June 2021. Collection method: clinical testing. Allele origin: germline. Affected: yes.

Illumina Laboratory Services, Illumina
Classification: Benign for Autosomal recessive early-onset Parkinson disease 6. Last evaluated: 2018-01-13. Review status: criteria provided, single submitter. Criteria: ICSL Variant Classification Criteria 13 December 2019. Collection method: clinical testing. Allele origin: germline.
Comment: This variant was observed in the ICSL laboratory as part of a predisposition screen in an ostensibly healthy population. It had not been previously curated by ICSL or reported in the Human Gene Mutation Database (HGMD: prior to June 1st, 2018), and was therefore a candidate for classification through an automated scoring system. Utilizing variant allele frequency, disease prevalence and penetrance estimates, and inheritance mode, an automated score was calculated to assess if this variant is too frequent to cause the disease. Based on the score and internal cut-off values, a variant classified as benign is not then subjected to further curation. The score for this variant resulted in a classification of benign for this disease.

Breakthrough Genomics
Classification: Benign. Review status: criteria provided, single submitter. Criteria: ACMG Guidelines, 2015. Collection method: not provided. Allele origin: germline. Inheritance: Autosomal recessive inheritance. Affected: yes.